The following is an entry in ClinVar:

ClinVar aggregate classification (germline): Uncertain significance (1 of 4 stars; one submission).

Submission:

GeneDx
Classification: Uncertain significance. Last evaluated: 2026-04-09. Review status: criteria provided, single submitter. Criteria: GeneDx Variant Classification Process June 2021. Collection method: clinical testing. Allele origin: germline.
Comment: Not observed at significant frequency in large population cohorts (gnomAD); In silico analysis supports that this missense variant has a deleterious effect on protein structure/function; Has not been previously published as pathogenic or benign to our knowledge

NM_020795.4(NLGN2):c.1604T>C (p.Met535Thr)

Gene: NLGN2 (neuroligin 2; plus strand). Cytogenetic location: 17p13.1.
Variant type: single nucleotide variant.
Coding change: c.1604T>C on transcript NM_020795.4 (MANE Select); coding-DNA position 1604, T replaced by C.
Protein change: p.Met535Thr; replaces methionine 535 with threonine.
Molecular consequence: missense variant.
Genome position (GRCh38, 1-based): chr17:7,416,077, T>C. VCF-style: chr17-7416077-T-C. GRCh37 (hg19) VCF-style: chr17-7319396-T-C.
Other names: short protein forms M535T.
Identifiers: ClinVar variation 5018198 (VCV005018198.1).